The following is an entry in ClinVar:

ClinVar aggregate classification (germline): Uncertain significance (1 of 4 stars; one submission).

Conditions:
Cardiovascular phenotype. Identifiers: MedGen CN230736.

Allele frequency attached by ClinVar (database versions not stated): gnomAD exomes below 0.00001.
gnomAD v4.1: 5 of 1,614,172 alleles (0.00031%); highest among the groups gnomAD compares: Non-Finnish European, 0.00042%; no homozygotes.

Submission:

Ambry Genetics
Classification: Uncertain significance for Cardiovascular phenotype. Last evaluated: 2020-03-23. Review status: criteria provided, single submitter. Criteria: Ambry Variant Classification Scheme 2023. Collection method: clinical testing. Allele origin: germline.
Comment: The p.V2689A variant (also known as c.8066T>C), located in coding exon 33 of the TTN gene, results from a T to C substitution at nucleotide position 8066. The valine at codon 2689 is replaced by alanine, an amino acid with similar properties. This amino acid position is highly conserved in available vertebrate species. In addition, this alteration is predicted to be tolerated by in silico analysis. Since supporting evidence is limited at this time, the clinical significance of this alteration remains unclear.

NM_001267550.2(TTN):c.8204T>C (p.Val2735Ala)

Gene: TTN (titin; minus strand). Cytogenetic location: 2q31.2.
Variant type: single nucleotide variant.
Coding change: c.8204T>C on transcript NM_001267550.2 (MANE Select); coding-DNA position 8204, T replaced by C.
Protein change: p.Val2735Ala; replaces valine 2735 with alanine.
Molecular consequence: missense variant.
Genome position (GRCh38, 1-based): chr2:178,770,588, A>G on the plus strand (T>C on the coding strand, the complement: TTN is on the minus strand). VCF-style: chr2-178770588-A-G. GRCh37 (hg19) VCF-style: chr2-179635315-A-G.
Other names: c.8204T>C, p.Val2735Ala (NM_001256850.1, NM_133378.4, NM_133379.5); c.8066T>C, p.Val2689Ala (NM_003319.4, NM_133432.3, NM_133437.4); short protein forms V2735A, V2689A.
Identifiers: ClinVar variation 1761856 (VCV001761856.2), dbSNP rs1352413380, ClinGen allele CA349677909.
Genomic context (GRCh38, chr2:178,770,588, plus strand): 5'-ATAGCATACTTTTCATTGGATTCCAGCACAACTCCATTTTTGATCCACTGGACACCTTTG[A>G]CATTAGGGTGTGTAAGCTCGACAGTGAAAACAGCATCCTGTGTTTCTGTCACTGTGAGGT-3'
Protein context (NP_001254479.2, residues 2725-2745): VFTVELTHPN[Val2735Ala]KGVQWIKNGV